The following is an entry in ClinVar:

NM_001079802.2(FKTN):c.1305C>G (p.Asp435Glu)

Gene: FKTN (fukutin; plus strand). Cytogenetic location: 9q31.2.
Variant type: single nucleotide variant.
Coding change: c.1305C>G on transcript NM_001079802.2 (MANE Select); coding-DNA position 1305, C replaced by G.
Protein change: p.Asp435Glu; replaces aspartic acid 435 with glutamic acid.
Molecular consequence: missense variant. On other transcripts: 3 prime UTR variant (1), non-coding transcript variant (2), intron variant (1).
Genome position (GRCh38, 1-based): chr9:105,635,183, C>G. VCF-style: chr9-105635183-C-G. GRCh37 (hg19) VCF-style: chr9-108397464-C-G.
Other names: c.1305C>G, p.Asp435Glu (NM_001351496.2, NM_006731.2); c.1236C>G, p.Asp412Glu (NM_001351497.2); c.*97C>G (NM_001351498.2); c.909C>G, p.Asp303Glu (NM_001351499.2, NM_001351500.2, NM_001351501.2 and 1 more transcripts); c.1270+35C>G (NM_001198963.2); c.1305C>G (NM_001079802.1); short protein forms D412E, D303E, D435E.
Identifiers: ClinVar variation 1371841 (VCV001371841.6), dbSNP rs1043227892, ClinGen allele CA197462053.

ClinVar aggregate classification (germline): Uncertain significance. Review status: criteria provided, multiple submitters, no conflicts (2 of 4 stars). 2 submissions from 2 submitters: Uncertain significance (2). Last evaluated 2024-02-12.

Conditions:
Walker-Warburg congenital muscular dystrophy. Also called: Muscular dystrophy-dystroglycanopathy, type A; Walker-Warburg syndrome. Identifiers: Orphanet 899, MedGen C0265221, MONDO:0000171.

Allele frequency attached by ClinVar (database versions not stated): gnomAD exomes 0.00001.
gnomAD v4.1: 11 of 1,614,186 alleles (0.00068%); highest among the groups gnomAD compares: Non-Finnish European, 0.00093%; no homozygotes.

Submissions (2):

GeneDx
Classification: Uncertain significance. Last evaluated: 2024-02-12. Review status: criteria provided, single submitter. Criteria: GeneDx Variant Classification Process June 2021. Collection method: clinical testing. Allele origin: germline. Affected: yes.
Comment: Not observed at significant frequency in large population cohorts (gnomAD); In silico analysis supports that this missense variant does not alter protein structure/function; Has not been previously published as pathogenic or benign to our knowledge

Labcorp Genetics (formerly Invitae), Labcorp
Classification: Uncertain significance for Walker-Warburg congenital muscular dystrophy. Last evaluated: 2021-09-30. Review status: criteria provided, single submitter. Criteria: Invitae Variant Classification Sherloc (09022015). Collection method: clinical testing. Allele origin: germline.
Comment: This sequence change replaces aspartic acid with glutamic acid at codon 435 of the FKTN protein (p.Asp435Glu). The aspartic acid residue is highly conserved and there is a small physicochemical difference between aspartic acid and glutamic acid. This variant is not present in population databases (ExAC no frequency). This variant has not been reported in the literature in individuals with FKTN-related conditions. Algorithms developed to predict the effect of missense changes on protein structure and function are either unavailable or do not agree on the potential impact of this missense change (SIFT: "Deleterious"; PolyPhen-2: "Possibly Damaging"; Align-GVGD: "Class C0"). In summary, the available evidence is currently insufficient to determine the role of this variant in disease. Therefore, it has been classified as a Variant of Uncertain Significance.